The following is an entry in ClinVar:

ClinVar aggregate classification (germline): Uncertain significance (1 of 4 stars; one submission).

Conditions:
Immunodeficiency 84. Identifiers: Orphanet 697385, MedGen C5561940, MONDO:0030333, OMIM 619437.

Submission:

Laboratorio de Genetica e Diagnostico Molecular, Hospital Israelita Albert Einstein
Classification: Uncertain significance for Immunodeficiency 84. Last evaluated: 2022-12-02. Review status: criteria provided, single submitter. Criteria: ACMG Guidelines, 2015. Collection method: clinical testing. Allele origin: germline. Affected: yes. Observed: 1 variant allele.
Comment: ACMG classification criteria: PM2 moderated, BP4 supporting

NM_012481.5(IKZF3):c.982C>T (p.Pro328Ser)

Gene: IKZF3 (IKAROS family zinc finger 3; minus strand). Cytogenetic location: 17q12.
Variant type: single nucleotide variant.
Coding change: c.982C>T on transcript NM_012481.5 (MANE Select); coding-DNA position 982, C replaced by T.
Protein change: p.Pro328Ser; replaces proline 328 with serine.
Molecular consequence: missense variant.
Genome position (GRCh38, 1-based): chr17:39,766,338, G>A on the plus strand (C>T on the coding strand, the complement: IKZF3 is on the minus strand). VCF-style: chr17-39766338-G-A. GRCh37 (hg19) VCF-style: chr17-37922591-G-A.
Other names: c.880C>T, p.Pro294Ser (NM_001257408.2); c.763C>T, p.Pro255Ser (NM_001257409.2); c.721C>T, p.Pro241Ser (NM_001257410.2); c.553C>T, p.Pro185Ser (NM_001257411.2); c.436C>T, p.Pro146Ser (NM_001257412.2); c.319C>T, p.Pro107Ser (NM_001257413.2); c.580C>T, p.Pro194Ser (NM_001257414.2); c.241C>T, p.Pro81Ser (NM_001284514.2, NM_001284515.2, NM_001284516.1); and 4 more; short protein forms P107S, P146S, P185S, P194S, P233S, P241S, P250S, P255S.
Identifiers: ClinVar variation 2431805 (VCV002431805.1), dbSNP rs2544691410, ClinGen allele CA399268380.